The following is an entry in ClinVar:

NM_001369.3(DNAH5):c.4624_4625insCGATCACAGATGTGTATAA (p.Arg1542fs)

Genes: DNAH5 (dynein axonemal heavy chain 5; minus strand), DNAH5-AS1 (DNAH5 antisense RNA 1; plus strand). Cytogenetic location: 5p15.2.
Variant type: Insertion.
Coding change: c.4624_4625insCGATCACAGATGTGTATAA on transcript NM_001369.3 (MANE Select); coding-DNA positions 4624 to 4625, CGATCACAGATGTGTATAA inserted.
Protein change: p.Arg1542fs; shifts the reading frame from arginine 1542.
Molecular consequence: frameshift variant.
Genome position: GRCh38 VCF-style: chr5-13862719-C-CTTATACACATCTGTGATCG. GRCh37 (hg19) VCF-style: chr5-13862828-C-CTTATACACATCTGTGATCG.
Other names: short protein forms R1542fs.
Identifiers: ClinVar variation 5011042 (VCV005011042.1).

ClinVar aggregate classification (germline): Pathogenic (1 of 4 stars; one submission).

Conditions:
Primary ciliary dyskinesia 3. Identifiers: Orphanet 244, MedGen C1837618, MONDO:0012085, OMIM 608644.

Submission:

Myriad Genetics, Inc.
Classification: Pathogenic for Primary ciliary dyskinesia 3. Last evaluated: 2024-05-14. Review status: criteria provided, single submitter. Criteria: Myriad Autosomal Dominant, Autosomal Recessive and X-Linked Classification Criteria (2023). Collection method: clinical testing. Allele origin: unknown.
Comment: NM_001369.2(DNAH5):c.4624_4625ins19(R1542Tfs*10) is expected to be pathogenic in the context of primary ciliary dyskinesia, DNAH5-related. This variant is predicted to lead to an abnormal or absent protein product due to the creation of a premature termination codon in DNAH5, a gene where loss-of-function variants are known to be pathogenic. Please note: this variant was assessed in the context of healthy population screening.